The following is an entry in ClinVar:

ClinVar aggregate classification (germline): Likely pathogenic (1 of 4 stars; one submission).

Conditions:
Encephalopathy, lethal, due to defective mitochondrial peroxisomal fission 1. Identifiers: Orphanet 330050, MedGen C3280660, MONDO:0013726, OMIM 614388.

Submission:

3billion
Classification: Likely pathogenic for Encephalopathy, lethal, due to defective mitochondrial peroxisomal fission 1. Review status: criteria provided, single submitter. Criteria: ACMG Guidelines, 2015. Collection method: clinical testing. Allele origin: unknown. Affected: yes. Observed: 1 heterozygote.
Comment: The variant is not observed in the gnomAD v2.1.1 dataset. The variant is predicted to result in a loss or disruption of normal protein function through nonsense-mediated decay (NMD) or protein truncation. Multiple pathogenic variants are reported downstream of the variant. Therefore, this variant is classified as Likely pathogenic according to the recommendation of ACMG/AMP guideline.

NM_001278464.2(DNM1L):c.254del (p.Pro85fs)

Gene: DNM1L (dynamin 1 like; plus strand). Cytogenetic location: 12p11.21.
Variant type: Deletion.
Coding change: c.254del on transcript NM_001278464.2 (MANE Plus Clinical); coding-DNA position 254, one base deleted (C; older notation c.254delC).
Protein change: p.Pro85fs; shifts the reading frame from proline 85.
Molecular consequence: frameshift variant. On other transcripts: intron variant (4).
Genome position (GRCh38, 1-based): chr12:32,705,828, C deleted; the last of 3 consecutive C bases (chr12:32,705,826-32,705,828); deleting any one gives the same sequence. VCF-style (leftmost placement, unchanged base first): chr12-32705825-AC-A. GRCh37 (hg19) VCF-style: chr12-32858759-AC-A.
Other names: c.254del, p.Pro85fs (NM_001278465.2, NM_001330380.2); c.49del, p.Leu17fs (NM_001278466.2); c.251-1539del (NM_012062.5, NM_001278463.2, NM_012063.4 and 1 more transcripts); short protein forms L17fs, P85fs.
Identifiers: ClinVar variation 2572539 (VCV002572539.1), dbSNP rs2540993380, ClinGen allele CA2580615153.
Genomic context (GRCh38, chr12:32,705,825, plus strand): 5'-GGTTTAAAATTTTAGGGATAAGCACTAAACTTATTCTGTGCTGTTTCTCTTTAACTACAG[AC>A]CCTGCTACATGGAAAAACTCAAGACACCTTTCTAAAGGTTTCCTTTATCCATTTGCTTTT-3'